The following is an entry in ClinVar:

NM_000338.3(SLC12A1):c.2126G>A (p.Gly709Asp)

Gene: SLC12A1 (solute carrier family 12 member 1; plus strand). Cytogenetic location: 15q21.1.
Variant type: single nucleotide variant.
Coding change: c.2126G>A on transcript NM_000338.3 (MANE Select); coding-DNA position 2126, G replaced by A.
Protein change: p.Gly709Asp; replaces glycine 709 with aspartic acid.
Molecular consequence: missense variant.
Genome position (GRCh38, 1-based): chr15:48,259,283, G>A. VCF-style: chr15-48259283-G-A. GRCh37 (hg19) VCF-style: chr15-48551480-G-A.
Other names: c.2126G>A, p.Gly709Asp (NM_001184832.2, NM_001384136.1); short protein forms G709D.
Identifiers: ClinVar variation 3577300 (VCV003577300.2).

ClinVar aggregate classification (germline): Uncertain significance. Review status: criteria provided, single submitter (1 of 4 stars). 2 submissions from 2 submitters: Uncertain significance (1). 1 of the submissions does not count toward it. Last evaluated 2023-12-27.

Conditions:
Bartter disease type 1. Also called: HYPERPROSTAGLANDIN E SYNDROME 1; HYPOKALEMIC ALKALOSIS WITH HYPERCALCIURIA 1, ANTENATAL; Bartter Syndrome type 1; Bartter syndrome, type 1, antenatal. Identifiers: Orphanet 112, Orphanet 620217, MedGen C1866495, MONDO:0100344, OMIM 601678, MONDO:0011127.

gnomAD v4.1: 1 of 1,613,528 alleles (0.000062%); highest among the groups gnomAD compares: South Asian, 0.0011%; no homozygotes.

Submissions (2):

Fulgent Genetics
Classification: Uncertain significance for Bartter disease type 1. Last evaluated: 2023-12-27. Review status: criteria provided, single submitter. Criteria: ACMG Guidelines, 2015. Collection method: clinical testing. Allele origin: germline.

Genetics laboratory, Institute of Kidney Diseases & Research Centre Dr. H.L. Trivedi Institute Of Transplantation Sciences
Classification: Uncertain significance for Bartter disease type 1. Last evaluated: 2025-01-23. Review status: no assertion criteria provided. Collection method: clinical testing. Allele origin: germline. Inheritance: Autosomal recessive inheritance. Affected: yes. Observed: 1 variant allele, 1 homozygote. Not counted in ClinVar's aggregate classification.
Comment: This is not reported anywhere including clinvar and there is no publication found related to this variant